The following is an entry in ClinVar:

ClinVar aggregate classification (germline): Uncertain significance. Review status: criteria provided, multiple submitters, no conflicts (2 of 4 stars). 2 submissions from 2 submitters: Uncertain significance (2). Last evaluated 2024-05-09.

Allele frequency attached by ClinVar (database versions not stated): TOPMed below 0.00001; gnomAD 0.00001.

Submissions (2):

GeneDx
Classification: Uncertain significance. Last evaluated: 2024-05-09. Review status: criteria provided, single submitter. Criteria: GeneDx Variant Classification Process June 2021. Collection method: clinical testing. Allele origin: germline. Affected: yes.
Comment: Not observed at significant frequency in large population cohorts (gnomAD); In silico analysis supports that this missense variant has a deleterious effect on protein structure/function; Has not been previously published as pathogenic or benign to our knowledge

Labcorp Genetics (formerly Invitae), Labcorp
Classification: Uncertain significance. Last evaluated: 2023-10-24. Review status: criteria provided, single submitter. Criteria: Invitae Variant Classification Sherloc (09022015). Collection method: clinical testing. Allele origin: germline.
Comment: This sequence change replaces arginine, which is basic and polar, with cysteine, which is neutral and slightly polar, at codon 770 of the FGD1 protein (p.Arg770Cys). This variant is not present in population databases (gnomAD no frequency). This variant has not been reported in the literature in individuals affected with FGD1-related conditions. Advanced modeling of protein sequence and biophysical properties (such as structural, functional, and spatial information, amino acid conservation, physicochemical variation, residue mobility, and thermodynamic stability) performed at Invitae indicates that this missense variant is not expected to disrupt FGD1 protein function with a negative predictive value of 80%. In summary, the available evidence is currently insufficient to determine the role of this variant in disease. Therefore, it has been classified as a Variant of Uncertain Significance.

NM_004463.3(FGD1):c.2308C>T (p.Arg770Cys)

Gene: FGD1 (FYVE, RhoGEF and PH domain containing 1; minus strand). Cytogenetic location: Xp11.22.
Variant type: single nucleotide variant.
Coding change: c.2308C>T on transcript NM_004463.3 (MANE Select); coding-DNA position 2308, C replaced by T.
Protein change: p.Arg770Cys; replaces arginine 770 with cysteine.
Molecular consequence: missense variant.
Genome position (GRCh38, 1-based): chrX:54,448,934, G>A on the plus strand (C>T on the coding strand, the complement: FGD1 is on the minus strand). VCF-style: chrX-54448934-G-A. GRCh37 (hg19) VCF-style: chrX-54475367-G-A.
Other names: c.2308C>T (NM_004463.2); short protein forms R770C.
Identifiers: ClinVar variation 2988979 (VCV002988979.4), dbSNP rs1294118834, ClinGen allele CA413358994.
Genomic context (GRCh38, chrX:54,448,934, plus strand): 5'-GCAAGGCCACATAGCAATCAGTGCACACACGGTTGGAGCGGTTGTTGTCATAGACGAGGC[G>A]GGCCCGGAACTCGGAGCACTTCCCACAAACCACCTGGGGTGGCAAGTGGGCAAGAGTAGC-3'
Protein context (NP_004454.2, residues 760-780): VCGKCSEFRA[Arg770Cys]LVYDNNRSNR